The following is an entry in ClinVar:

NM_000503.6(EYA1):c.1278C>T (p.Gly426=)

Gene: EYA1 (EYA transcriptional coactivator and phosphatase 1; minus strand). Cytogenetic location: 8q13.3.
Variant type: single nucleotide variant.
Coding change: c.1278C>T on transcript NM_000503.6 (MANE Select); coding-DNA position 1278, C replaced by T.
Protein change: p.Gly426=; no amino-acid change (glycine 426 retained).
Molecular consequence: synonymous variant.
Genome position (GRCh38, 1-based): chr8:71,216,774, G>A on the plus strand (C>T on the coding strand, the complement: EYA1 is on the minus strand). VCF-style: chr8-71216774-G-A. GRCh37 (hg19) VCF-style: chr8-72129009-G-A.
Other names: p.Gly426=; c.1260C>T, p.Gly420= (NM_001288574.2, NM_172059.5); c.912C>T, p.Gly304= (NM_001288575.2); c.1365C>T, p.Gly455= (NM_001370333.1); c.1278C>T, p.Gly426= (NM_001370334.1, NM_001370335.1, NM_172058.4); c.1257C>T, p.Gly419= (NM_001370336.1).
Identifiers: ClinVar variation 48101 (VCV000048101.28), dbSNP rs4738118, ClinGen allele CA142599.
Genomic context (GRCh38, chr8:71,216,774, plus strand): 5'-GTTGTAGATCTCTTTTACCCGTCTGTAGCGGAAGGCCAACTTTCTCATCCAGTCCACACC[G>A]CCCCGTACACCAGTTGCCAAACATAAGTTAGCACTGGTTGCTGCAGCAGGAAAGCCATCT-3'
Protein context (NP_000494.2, residues 416-436): ANLCLATGVR[Gly426=]GVDWMRKLAF

ClinVar aggregate classification (germline): Benign. Review status: criteria provided, multiple submitters, no conflicts (2 of 4 stars). 12 submissions from 11 submitters: Benign (9). 3 of the submissions do not count toward it. Last evaluated 2026-02-04.

Conditions:
Melnick-Fraser syndrome (BOR). Also called: Branchio-oto-renal syndrome; Branchiootorenal Syndrome (BORS); Branchiootorenal syndrome. Identifiers: Orphanet 107, MedGen C0265234, MONDO:0007029.
Otofaciocervical syndrome 1 (OTFCS). Identifiers: MedGen C3714941, MONDO:0024532, OMIM 166780.
Branchiootic syndrome 1 (BOS1). Also called: BO SYNDROME 1; BRANCHIOOTIC DYSPLASIA. Identifiers: MedGen C1865143, MONDO:0011258, OMIM 602588.

Allele frequency attached by ClinVar (database versions not stated): 1000 Genomes Project 30x 0.28748; 1000 Genomes Project 0.29373; gnomAD 0.13734 and 0.15114; TOPMed 0.15515; ExAC 0.21273; ESP Exome Variant Server 0.10972.
gnomAD v4.1: 241,286 of 1,613,682 alleles (15%); highest among the groups gnomAD compares: East Asian, 67%; 28,388 homozygotes.

Submissions (12):

Labcorp Genetics (formerly Invitae), Labcorp
Classification: Benign for Melnick-Fraser syndrome. Last evaluated: 2026-02-04. Review status: criteria provided, single submitter. Criteria: Invitae Variant Classification Sherloc (09022015). Collection method: clinical testing. Allele origin: germline.

Blueprint Genetics
Classification: Benign. Last evaluated: 2024-11-27. Review status: criteria provided, single submitter. Criteria: ACMG Guidelines, 2015. Collection method: clinical testing. Allele origin: germline.

Mayo Clinic Laboratories, Mayo Clinic
Classification: Benign. Last evaluated: 2022-03-09. Review status: criteria provided, single submitter. Criteria: ACMG Guidelines, 2015. Collection method: clinical testing. Allele origin: germline. Observed: 72 variant alleles.

Illumina Laboratory Services, Illumina
Classification: Benign for Otofaciocervical syndrome 1. Last evaluated: 2018-01-12. Review status: criteria provided, single submitter. Criteria: ICSL Variant Classification Criteria 13 December 2019. Collection method: clinical testing. Allele origin: germline.
Comment: This variant was observed in the ICSL laboratory as part of a predisposition screen in an ostensibly healthy population. It had not been previously curated by ICSL or reported in the Human Gene Mutation Database (HGMD: prior to June 1st, 2018), and was therefore a candidate for classification through an automated scoring system. Utilizing variant allele frequency, disease prevalence and penetrance estimates, and inheritance mode, an automated score was calculated to assess if this variant is too frequent to cause the disease. Based on the score and internal cut-off values, a variant classified as benign is not then subjected to further curation. The score for this variant resulted in a classification of benign for this disease.

Illumina Laboratory Services, Illumina
Classification: Benign for Branchiootic syndrome. Last evaluated: 2018-01-12. Review status: criteria provided, single submitter. Criteria: ICSL Variant Classification Criteria 13 December 2019. Collection method: clinical testing. Allele origin: germline.
Comment: the same text as in the submission from Illumina Laboratory Services, Illumina above.

GeneDx
Classification: Benign. Last evaluated: 2015-03-03. Review status: criteria provided, single submitter. Criteria: GeneDx Variant Classification Process June 2021. Collection method: clinical testing. Allele origin: germline. Affected: yes.

Laboratory for Molecular Medicine, Mass General Brigham Personalized Medicine
Classification: Benign. Last evaluated: 2010-11-24. Review status: criteria provided, single submitter. Criteria: LMM Criteria. Collection method: clinical testing. Allele origin: germline. Observed: 543 variant alleles.
Comment: The Gly426Gly variant in EYA1 is a silent common benign variant present in ~10% of Caucasian and African populations, and in >50% of Asian populations (dbSNP- r s4738118).

Breakthrough Genomics
Classification: Benign. Review status: criteria provided, single submitter. Criteria: ACMG Guidelines, 2015. Collection method: not provided. Allele origin: germline. Inheritance: Autosomal dominant inheritance. Affected: yes.

PreventionGenetics, part of Exact Sciences
Classification: Benign. Review status: criteria provided, single submitter. Criteria: ACMG Guidelines, 2015. Collection method: clinical testing. Allele origin: germline.

Clinical Genetics DNA and cytogenetics Diagnostics Lab, Erasmus MC, Erasmus Medical Center
Classification: Benign. Review status: no assertion criteria provided. Collection method: clinical testing. Allele origin: germline. Affected: yes. Study: VKGL Data-share Consensus. Not counted in ClinVar's aggregate classification.

Diagnostic Laboratory, Department of Genetics, University Medical Center Groningen
Classification: Benign. Review status: no assertion criteria provided. Collection method: clinical testing. Allele origin: germline. Affected: yes. Study: VKGL Data-share Consensus. Not counted in ClinVar's aggregate classification.

Joint Genome Diagnostic Labs from Nijmegen and Maastricht, Radboudumc and MUMC+
Classification: Benign. Review status: no assertion criteria provided. Collection method: clinical testing. Allele origin: germline. Affected: yes. Study: VKGL Data-share Consensus. Not counted in ClinVar's aggregate classification.